The following is an entry in ClinVar:

NM_198253.3(TERT):c.1246C>T (p.Arg416Ter)

Gene: TERT (telomerase reverse transcriptase; minus strand). Cytogenetic location: 5p15.33.
Variant type: single nucleotide variant.
Coding change: c.1246C>T on transcript NM_198253.3 (MANE Select); coding-DNA position 1246, C replaced by T.
Protein change: p.Arg416Ter; replaces arginine 416 with a stop codon.
Molecular consequence: nonsense. On other transcripts: non-coding transcript variant (2).
Genome position (GRCh38, 1-based): chr5:1,293,640, G>A on the plus strand (C>T on the coding strand, the complement: TERT is on the minus strand). VCF-style: chr5-1293640-G-A. GRCh37 (hg19) VCF-style: chr5-1293755-G-A.
Other names: c.1246C>T, p.Arg416Ter (NM_001193376.3, NM_003219.1); short protein forms R416*.
Identifiers: ClinVar variation 2931035 (VCV002931035.3), dbSNP rs2478412591, ClinGen allele CA359086444.

ClinVar aggregate classification (germline): Pathogenic (1 of 4 stars; one submission).

Conditions:
Idiopathic Pulmonary Fibrosis. Also called: Idiopathic fibrosing alveolitis, chronic form; idiopathic fibrosing alveolitis. Identifiers: Orphanet 2032, MedGen C1800706, MeSH D054990, MONDO:0800504.
Dyskeratosis congenita, autosomal dominant 2. Identifiers: MedGen C3151443, MONDO:0013521, OMIM 613989.

Submission:

Labcorp Genetics (formerly Invitae), Labcorp
Classification: Pathogenic for Dyskeratosis congenita, autosomal dominant 2; Idiopathic Pulmonary Fibrosis. Last evaluated: 2024-01-02. Review status: criteria provided, single submitter. Criteria: Invitae Variant Classification Sherloc (09022015). Collection method: clinical testing. Allele origin: germline.
Comment: This sequence change creates a premature translational stop signal (p.Arg416*) in the TERT gene. It is expected to result in an absent or disrupted protein product. Loss-of-function variants in TERT are known to be pathogenic (PMID: 16247010, 17460043). This variant is not present in population databases (gnomAD no frequency). This variant has not been reported in the literature in individuals affected with TERT-related conditions. For these reasons, this variant has been classified as Pathogenic.

Literature cited by the submitters: PubMed 16247010; PubMed 17460043.